The following is an entry in ClinVar:

NM_003470.3(USP7):c.10CAG[8] (p.Gln10_Lys11insGln)

Genes: USP7 (ubiquitin specific peptidase 7; minus strand), USP7-AS1 (USP7 antisense RNA 1; plus strand). Cytogenetic location: 16p13.2.
Variant type: Microsatellite.
Coding change: c.10CAG[8] on transcript NM_003470.3 (MANE Select); eight copies in a row of the 3-base unit CAG starting at c.10; the reference has seven copies in a row; one copy, 3 bases duplicated.
Protein change: p.Gln10_Lys11insGln.
Molecular consequence: inframe insertion.
Genome position (GRCh38, 1-based): chr16:8,963,256-8,963,258, CTG duplicated on the plus strand (CAG on the coding strand, the reverse complement: USP7 is on the minus strand); duplicating any 3 consecutive bases within chr16:8,963,256-8,963,276 gives the same sequence; the position shown is the placement nearest the transcript's 3' end. VCF-style (leftmost placement, unchanged base first): chr16-8963255-T-TCTG. GRCh37 (hg19) VCF-style: chr16-9057112-T-TCTG.
Other names: c.28_30dupCAG (NM_003470.2).
Identifiers: ClinVar variation 2056639 (VCV002056639.29), dbSNP rs749570604, ClinGen allele CA7895907.

ClinVar aggregate classification (germline): Benign/Likely benign. Review status: criteria provided, multiple submitters, no conflicts (2 of 4 stars). 3 submissions from 3 submitters: Benign (1); Likely benign (1). 1 of the submissions does not count toward it. Last evaluated 2025-12-01.

Conditions:
USP7-related disorder. Also called: USP7-related condition.

Submissions (3):

CeGaT Center for Human Genetics Tuebingen
Classification: Benign. Last evaluated: 2025-12-01. Review status: criteria provided, single submitter. Criteria: CeGaT Center For Human Genetics Tuebingen Variant Classification Criteria Version 2. Collection method: clinical testing. Allele origin: germline. Affected: yes. Observed: 2 variant alleles.
Comment: USP7: BS1, BS2

Labcorp Genetics (formerly Invitae), Labcorp
Classification: Likely benign. Last evaluated: 2025-11-21. Review status: criteria provided, single submitter. Criteria: Invitae Variant Classification Sherloc (09022015). Collection method: clinical testing. Allele origin: germline.

PreventionGenetics, part of Exact Sciences
Classification: Likely benign for USP7-related condition. Last evaluated: 2021-11-17. Review status: no assertion criteria provided. Collection method: clinical testing. Allele origin: germline. Not counted in ClinVar's aggregate classification.
Comment: This variant is classified as likely benign based on ACMG/AMP sequence variant interpretation guidelines (Richards et al. 2015 PMID: 25741868, with internal and published modifications).